The following is an entry in ClinVar:

NM_000545.8(HNF1A):c.264G>A (p.Glu88=)

Gene: HNF1A (HNF1 homeobox A; plus strand). Cytogenetic location: 12q24.31.
Variant type: single nucleotide variant.
Coding change: c.264G>A on transcript NM_000545.8 (MANE Select); coding-DNA position 264, G replaced by A.
Protein change: p.Glu88=; no amino-acid change (glutamic acid 88 retained).
Molecular consequence: synonymous variant.
Genome position (GRCh38, 1-based): chr12:120,979,032, G>A. VCF-style: chr12-120979032-G-A. GRCh37 (hg19) VCF-style: chr12-121416835-G-A.
Other names: c.264G>A (NM_000545.6); c.264G>A, p.Glu88= (NM_001306179.2).
Identifiers: ClinVar variation 307457 (VCV000307457.17), dbSNP rs201223431, ClinGen allele CA6831702.
Genomic context (GRCh38, chr12:120,979,032, plus strand): 5'-GGGCTCCGAGGACGAGACGGACGACGATGGGGAAGACTTCACGCCACCCATCCTCAAAGA[G>A]CTGGAGAACCTCAGCCCTGAGGAGGCGGCCCACCAGAAAGCCGTGGTGGAGACCCTTCTG-3'
Protein context (NP_000536.6, residues 78-98): GEDFTPPILK[Glu88=]LENLSPEEAA

ClinVar aggregate classification (germline): Benign/Likely benign. Review status: criteria provided, multiple submitters, no conflicts (2 of 4 stars). 5 submissions from 5 submitters: Benign (2); Likely benign (2). 1 of the submissions does not count toward it. Last evaluated 2025-10-19.

Conditions:
HNF1A-related disorder. Also called: HNF1A-related condition.
Maturity-onset diabetes of the young (MODY). Also called: Maturity onset diabetes mellitus in young. Identifiers: Orphanet 552, MedGen C0342276, MONDO:0018911, HP:0004904.

Allele frequency attached by ClinVar (database versions not stated): gnomAD 0.00002 and 0.00007; gnomAD exomes 0.00003 and 0.00017; TOPMed 0.00010; ExAC 0.00028; 1000 Genomes Project 30x 0.00047; 1000 Genomes Project 0.00060.
gnomAD v4.1: 55 of 1,611,880 alleles (0.0034%); highest among the groups gnomAD compares: East Asian, 0.1%; 1 homozygote.

Submissions (5):

Labcorp Genetics (formerly Invitae), Labcorp
Classification: Benign. Last evaluated: 2025-10-19. Review status: criteria provided, single submitter. Criteria: Invitae Variant Classification Sherloc (09022015). Collection method: clinical testing. Allele origin: germline.

Ambry Genetics
Classification: Likely benign for Maturity-onset diabetes of the young. Last evaluated: 2024-12-28. Review status: criteria provided, single submitter. Criteria: Ambry Variant Classification Scheme 2023. Collection method: clinical testing. Allele origin: germline.

Women's Health and Genetics/Laboratory Corporation of America, LabCorp
Classification: Benign. Last evaluated: 2024-04-18. Review status: criteria provided, single submitter. Criteria: LabCorp Variant Classification Summary - May 2015. Collection method: clinical testing. Allele origin: germline.

Clinical Genomics, Uppaluri K&H Personalized Medicine Clinic
Classification: Likely benign for Maturity-onset diabetes of the young. Review status: criteria provided, single submitter. Criteria: K & H Uppaluri Personalized Medicine Clinic Variant Classification & Assertion Criteria_Updated V.1. Collection method: research. Allele origin: unknown. Inheritance: Autosomal dominant inheritance.
Comment: Mutations in HNF1A gene can predispose to MODY3. It is associated with both micro and macrovascular complications of diabetes, especially cardiovascular complications. Associated with glucosuria. May respond well to sulfonylureas. However, more evidence is required to confer the association of this particular variant rs201223431 with MODY3.

PreventionGenetics, part of Exact Sciences
Classification: Likely benign for HNF1A-related condition. Last evaluated: 2020-08-03. Review status: no assertion criteria provided. Collection method: clinical testing. Allele origin: germline. Not counted in ClinVar's aggregate classification.
Comment: This variant is classified as likely benign based on ACMG/AMP sequence variant interpretation guidelines (Richards et al. 2015 PMID: 25741868, with internal and published modifications).

Literature cited by the submitters: PubMed 31517624 (cited by Clinical Genomics, Uppaluri K&H Personalized Medicine Clinic); PubMed 32395877 (cited by Clinical Genomics, Uppaluri K&H Personalized Medicine Clinic); PubMed 35328643 (cited by Clinical Genomics, Uppaluri K&H Personalized Medicine Clinic).